The following is an entry in ClinVar:

ClinVar aggregate classification (germline): Uncertain significance (1 of 4 stars; one submission).

Conditions:
X-linked agammaglobulinemia with growth hormone deficiency (IGHD3). Also called: ISOLATED GROWTH HORMONE DEFICIENCY, TYPE III, WITH AGAMMAGLOBULINEMIA; AGAMMAGLOBULINEMIA AND ISOLATED GROWTH HORMONE DEFICIENCY, X-LINKED; FLEISHER SYNDROME; HYPOGAMMAGLOBULINEMIA AND ISOLATED GROWTH HORMONE DEFICIENCY, X-LINKED; IGHD III; Isolated growth hormone deficiency type 3. Identifiers: Orphanet 231692, Orphanet 631, MedGen C0472813, MONDO:0010615, OMIM 307200.

Submission:

Labcorp Genetics (formerly Invitae), Labcorp
Classification: Uncertain significance for X-linked agammaglobulinemia with growth hormone deficiency. Last evaluated: 2022-09-13. Review status: criteria provided, single submitter. Criteria: Invitae Variant Classification Sherloc (09022015). Collection method: clinical testing. Allele origin: germline.
Comment: This sequence change falls in intron 3 of the BTK gene. It does not directly change the encoded amino acid sequence of the BTK protein. It affects a nucleotide within the consensus splice site. This variant is not present in population databases (gnomAD no frequency). This variant has not been reported in the literature in individuals affected with BTK-related conditions. Variants that disrupt the consensus splice site are a relatively common cause of aberrant splicing (PMID: 17576681, 9536098). Algorithms developed to predict the effect of sequence changes on RNA splicing suggest that this variant may disrupt the consensus splice site. In summary, the available evidence is currently insufficient to determine the role of this variant in disease. Therefore, it has been classified as a Variant of Uncertain Significance.

Literature cited by the submitters: PubMed 17576681; PubMed 9536098.

NM_000061.3(BTK):c.240+2dup

Gene: BTK (Bruton tyrosine kinase; minus strand). Cytogenetic location: Xq22.1.
Variant type: Duplication.
Coding change: c.240+2dup on transcript NM_000061.3 (MANE Select); the canonical splice donor site of the intron after coding-DNA position 240, one base duplicated (T; older notation c.240+2dupT).
Molecular consequence: splice donor variant.
Genome position (GRCh38, 1-based): chrX:101,374,534, A duplicated on the plus strand (T on the coding strand, the reverse complement: BTK is on the minus strand). VCF-style (leftmost placement, unchanged base first): chrX-101374533-T-TA. GRCh37 (hg19) VCF-style: chrX-100629521-T-TA.
Other names: c.342+2dup (NM_001287344.2); c.240+2dup (NM_001287345.2).
Identifiers: ClinVar variation 1998288 (VCV001998288.4), dbSNP rs2520687956, ClinGen allele CA2580100078.